The following is an entry in ClinVar:

NM_005739.4(RASGRP1):c.1831G>A (p.Val611Met)

Gene: RASGRP1 (RAS guanyl releasing protein 1; minus strand). Cytogenetic location: 15q14.
Variant type: single nucleotide variant.
Coding change: c.1831G>A on transcript NM_005739.4 (MANE Select); coding-DNA position 1831, G replaced by A.
Protein change: p.Val611Met; replaces valine 611 with methionine.
Molecular consequence: missense variant.
Genome position (GRCh38, 1-based): chr15:38,498,836, C>T on the plus strand (G>A on the coding strand, the complement: RASGRP1 is on the minus strand). VCF-style: chr15-38498836-C-T. GRCh37 (hg19) VCF-style: chr15-38791037-C-T.
Other names: c.1726G>A, p.Val576Met (NM_001128602.2, NM_001306086.2); short protein forms V611M, V576M.
Identifiers: ClinVar variation 1447435 (VCV001447435.5), dbSNP rs753586174, ClinGen allele CA7470740.

ClinVar aggregate classification (germline): Uncertain significance (1 of 4 stars; one submission).

Allele frequency attached by ClinVar (database versions not stated): ExAC 0.00001.
gnomAD v4.1: 6 of 1,613,872 alleles (0.00037%); highest among the groups gnomAD compares: Non-Finnish European, 0.00051%; no homozygotes.

Submission:

Labcorp Genetics (formerly Invitae), Labcorp
Classification: Uncertain significance. Last evaluated: 2021-09-24. Review status: criteria provided, single submitter. Criteria: Invitae Variant Classification Sherloc (09022015). Collection method: clinical testing. Allele origin: germline.
Comment: This sequence change replaces valine with methionine at codon 611 of the RASGRP1 protein (p.Val611Met). The valine residue is weakly conserved and there is a small physicochemical difference between valine and methionine. This variant is present in population databases (rs753586174, ExAC 0.01%). This variant has not been reported in the literature in individuals with RASGRP1-related conditions. Algorithms developed to predict the effect of missense changes on protein structure and function output the following: SIFT: "Tolerated"; PolyPhen-2: "Benign"; Align-GVGD: "Class C0". The methionine amino acid residue is found in multiple mammalian species, suggesting that this missense change does not adversely affect protein function. These predictions have not been confirmed by published functional studies and their clinical significance is uncertain. In summary, the available evidence is currently insufficient to determine the role of this variant in disease. Therefore, it has been classified as a Variant of Uncertain Significance.